The following is an entry in ClinVar:

NM_018344.6(SLC29A3):c.128T>C (p.Leu43Pro)

Gene: SLC29A3 (solute carrier family 29 member 3; plus strand). Cytogenetic location: 10q22.1.
Variant type: single nucleotide variant.
Coding change: c.128T>C on transcript NM_018344.6 (MANE Select); coding-DNA position 128, T replaced by C.
Protein change: p.Leu43Pro; replaces leucine 43 with proline.
Molecular consequence: missense variant. On other transcripts: 5 prime UTR variant (1), non-coding transcript variant (2).
Genome position (GRCh38, 1-based): chr10:71,322,882, T>C. VCF-style: chr10-71322882-T-C. GRCh37 (hg19) VCF-style: chr10-73082639-T-C.
Other names: c.128T>C, p.Leu43Pro (NM_001174098.2); c.-107T>C (NM_001363518.2); short protein forms L43P.
Identifiers: ClinVar variation 2090383 (VCV002090383.4), dbSNP rs146764905, ClinGen allele CA5542825.

ClinVar aggregate classification (germline): Uncertain significance (1 of 4 stars; one submission).

Conditions:
H syndrome. Also called: Histiocytosis with joint contractures and sensorineural deafness; Pigmented hypertrichosis and insulin-dependent diabetes mellitus; HISTIOCYTOSIS AND LYMPHADENOPATHY WITH OR WITHOUT CUTANEOUS, CARDIAC, AND/OR ENDOCRINE FEATURES, JOINT CONTRACTURES, AND/OR DEAFNESS; HYPERPIGMENTATION, CUTANEOUS, WITH HYPERTRICHOSIS, HEPATOSPLENOMEGALY, HEART ANOMALIES, AND HYPOGONADISM WITH OR WITHOUT HEARING LOSS; PIGMENTED HYPERTRICHOSIS WITH INSULIN-DEPENDENT DIABETES MELLITUS; ROSAI-DORFMAN DISEASE, FAMILIAL. Identifiers: Orphanet 168569, MedGen C1864445, MONDO:0011273, OMIM 602782.

Submission:

Labcorp Genetics (formerly Invitae), Labcorp
Classification: Uncertain significance for H syndrome. Last evaluated: 2023-05-23. Review status: criteria provided, single submitter. Criteria: Invitae Variant Classification Sherloc (09022015). Collection method: clinical testing. Allele origin: germline.
Comment: In summary, the available evidence is currently insufficient to determine the role of this variant in disease. Therefore, it has been classified as a Variant of Uncertain Significance. Advanced modeling of protein sequence and biophysical properties (such as structural, functional, and spatial information, amino acid conservation, physicochemical variation, residue mobility, and thermodynamic stability) performed at Invitae indicates that this missense variant is not expected to disrupt SLC29A3 protein function. ClinVar contains an entry for this variant (Variation ID: 2090383). This variant has not been reported in the literature in individuals affected with SLC29A3-related conditions. This variant is present in population databases (rs146764905, gnomAD 0.006%). This sequence change replaces leucine, which is neutral and non-polar, with proline, which is neutral and non-polar, at codon 43 of the SLC29A3 protein (p.Leu43Pro).